The following is an entry in ClinVar:

NM_172364.5(CACNA2D4):c.706G>A (p.Glu236Lys)

Gene: CACNA2D4 (calcium voltage-gated channel auxiliary subunit alpha2delta 4; minus strand). Cytogenetic location: 12p13.33.
Variant type: single nucleotide variant.
Coding change: c.706G>A on transcript NM_172364.5 (MANE Select); coding-DNA position 706, G replaced by A.
Protein change: p.Glu236Lys; replaces glutamic acid 236 with lysine.
Molecular consequence: missense variant.
Genome position (GRCh38, 1-based): chr12:1,907,515, C>T on the plus strand (G>A on the coding strand, the complement: CACNA2D4 is on the minus strand). VCF-style: chr12-1907515-C-T. GRCh37 (hg19) VCF-style: chr12-2016681-C-T.
Other names: short protein forms E236K.
Identifiers: ClinVar variation 1472887 (VCV001472887.8), dbSNP rs1555187473, ClinGen allele CA383363896.

ClinVar aggregate classification (germline): Uncertain significance (1 of 4 stars; one submission).

Allele frequency attached by ClinVar (database versions not stated): TOPMed below 0.00001.

Submission:

Labcorp Genetics (formerly Invitae), Labcorp
Classification: Uncertain significance. Last evaluated: 2020-12-23. Review status: criteria provided, single submitter. Criteria: Invitae Variant Classification Sherloc (09022015). Collection method: clinical testing. Allele origin: germline.
Comment: In summary, the available evidence is currently insufficient to determine the role of this variant in disease. Therefore, it has been classified as a Variant of Uncertain Significance. Algorithms developed to predict the effect of missense changes on protein structure and function are either unavailable or do not agree on the potential impact of this missense change (SIFT: "Deleterious"; PolyPhen-2: "Benign"; Align-GVGD: "Class C15"). This variant has not been reported in the literature in individuals with CACNA2D4-related conditions. This variant is not present in population databases (ExAC no frequency). This sequence change replaces glutamic acid with lysine at codon 236 of the CACNA2D4 protein (p.Glu236Lys). The glutamic acid residue is moderately conserved and there is a small physicochemical difference between glutamic acid and lysine.